The following is an entry in ClinVar:

ClinVar aggregate classification (germline): Conflicting classifications of pathogenicity. Review status: criteria provided, conflicting classifications (1 of 4 stars). 2 submissions from 2 submitters: Uncertain significance (1); Likely benign (1). Last evaluated 2022-07-19.

Conditions:
Intellectual developmental disorder with seizures and language delay (IDDSELD). Identifiers: MedGen C5436574, MONDO:0033559, OMIM 619000.

Allele frequency attached by ClinVar (database versions not stated): ExAC 0.00009; gnomAD 0.00007; TOPMed 0.00002.

Submissions (2):

Labcorp Genetics (formerly Invitae), Labcorp
Classification: Uncertain significance. Last evaluated: 2022-07-19. Review status: criteria provided, single submitter. Criteria: Invitae Variant Classification Sherloc (09022015). Collection method: clinical testing. Allele origin: germline.
Comment: In summary, the available evidence is currently insufficient to determine the role of this variant in disease. Therefore, it has been classified as a Variant of Uncertain Significance. Algorithms developed to predict the effect of missense changes on protein structure and function are either unavailable or do not agree on the potential impact of this missense change (SIFT: "Tolerated"; PolyPhen-2: "Not Available"; Align-GVGD: "Class C0"). This variant has not been reported in the literature in individuals affected with SETD1B-related conditions. The frequency data for this variant in the population databases is considered unreliable, as metrics indicate poor data quality at this position in the gnomAD database. This sequence change replaces methionine, which is neutral and non-polar, with threonine, which is neutral and polar, at codon 1152 of the SETD1B protein (p.Met1152Thr).

Victorian Clinical Genetics Services, Murdoch Childrens Research Institute
Classification: Likely benign for Intellectual developmental disorder with seizures and language delay. Last evaluated: 2020-10-19. Review status: criteria provided, single submitter. Criteria: ACMG Guidelines, 2015. Collection method: clinical testing. Allele origin: germline. Inheritance: Autosomal dominant inheritance.
Comment: Based on the classification scheme VCGS_Germline_v1.3.3, this variant is classified as likely benign. Following criteria are met: 0102 - Loss of function is a known mechanism of disease in this gene and is associated with SETD1B-associated neurodevelopmental disorder. (I) 0107 - This gene is associated with autosomal dominant disease. (I) 0200 - Variant is predicted to result in a missense amino acid change from methionine to threonine. (I) 0251 - This variant is heterozygous. (I) 0302 - Variant is present in gnomAD (v3) <0.001 for a dominant condition (10 heterozygotes, 0 homozygotes). (SP) 0308 - Population frequency for this variant is out of keeping with known incidence of SETD1B-associated neurodevelopmental disorder. (SB) 0309 - Alternative amino acid changes at the same position have been observed in gnomAD (v2 & 3) (highest allele count: 12 heterozygotes, 0 homozygotes). (I) 0503 - Missense variant consistently predicted to be tolerated by multiple in silico tools or not conserved in placental mammals with a minor amino acid change. (SB) 0604 - Variant is not located in an established domain, motif, hotspot or informative constraint region. (I) 0705 - No comparable missense variants have previous evidence for pathogenicity. (I) 0807 - This variant has no previous evidence of pathogenicity. (I) 0905 - No published segregation evidence has been identified for this variant. (I) 1007 - No published functional evidence has been identified for this variant. (I) 1208 - Inheritance information for this variant is not currently available in this individual. (I) Legend: (SP) - Supporting pathogenic, (I) - Information, (SB) - Supporting benign

NM_001353345.2(SETD1B):c.3584T>C (p.Met1195Thr)

Gene: SETD1B (SET domain containing 1B, histone lysine methyltransferase; plus strand). Cytogenetic location: 12q24.31.
Variant type: single nucleotide variant.
Coding change: c.3584T>C on transcript NM_001353345.2 (MANE Select); coding-DNA position 3584, T replaced by C.
Protein change: p.Met1195Thr; replaces methionine 1195 with threonine.
Molecular consequence: missense variant.
Genome position (GRCh38, 1-based): chr12:121,819,569, T>C. VCF-style: chr12-121819569-T-C. GRCh37 (hg19) VCF-style: chr12-122257475-T-C.
Other names: short protein forms M1195T.
Identifiers: ClinVar variation 1699143 (VCV001699143.8), dbSNP rs775815898, ClinGen allele CA6839090.
Genomic context (GRCh38, chr12:121,819,569, plus strand): 5'-CGGAGGATGAGGAGGAGGTAGTGGCCAGGGAAGAGGAGGAAGAAGAGGAGGAGGAGGAGA[T>C]GGTGGCCGAGGAAAGCATGGCTTCTGCAGGCCCTGAGGACTTTGAGCAGGACGGGGAGGA-3'
Protein context (NP_001340274.1, residues 1185-1205): EEEEEEEEEE[Met1195Thr]VAEESMASAG